The following is an entry in ClinVar:

ClinVar aggregate classification (germline): Conflicting classifications of pathogenicity. Review status: criteria provided, conflicting classifications (1 of 4 stars). 2 submissions from 2 submitters: Uncertain significance (1); Likely benign (1). Last evaluated 2026-01-20.

Conditions:
Inborn genetic diseases. Identifiers: MedGen C0950123, MeSH D030342.

Allele frequency attached by ClinVar (database versions not stated): gnomAD exomes 0.00001; ExAC 0.00002; gnomAD 0.00007; TOPMed 0.00010; 1000 Genomes Project 30x 0.00016; 1000 Genomes Project 0.00020.
gnomAD v4.1: 29 of 1,613,400 alleles (0.0018%); highest among the groups gnomAD compares: East Asian, 0.013%; no homozygotes.

Submissions (2):

Labcorp Genetics (formerly Invitae), Labcorp
Classification: Likely benign. Last evaluated: 2026-01-20. Review status: criteria provided, single submitter. Criteria: Invitae Variant Classification Sherloc (09022015). Collection method: clinical testing. Allele origin: germline.

Ambry Genetics
Classification: Uncertain significance for Inborn genetic diseases. Last evaluated: 2025-09-26. Review status: criteria provided, single submitter. Criteria: Ambry Variant Classification Scheme 2023. Collection method: clinical testing. Allele origin: germline.
Comment: The c.3106C>T (p.R1036W) alteration is located in exon 23 (coding exon 23) of the COL7A1 gene. This alteration results from a C to T substitution at nucleotide position 3106, causing the arginine (R) at amino acid position 1036 to be replaced by a tryptophan (W). Based on data from gnomAD, the T allele has an overall frequency of 0.004% (11/280878) total alleles studied. The highest observed frequency was 0.028% (2/7182) of Other alleles. Based on insufficient or conflicting evidence, the clinical significance of this alteration remains unclear.

NM_000094.4(COL7A1):c.3106C>T (p.Arg1036Trp)

Gene: COL7A1 (collagen type VII alpha 1 chain; minus strand). Cytogenetic location: 3p21.31.
Variant type: single nucleotide variant.
Coding change: c.3106C>T on transcript NM_000094.4 (MANE Select); coding-DNA position 3106, C replaced by T.
Protein change: p.Arg1036Trp; replaces arginine 1036 with tryptophan.
Molecular consequence: missense variant.
Genome position (GRCh38, 1-based): chr3:48,587,223, G>A on the plus strand (C>T on the coding strand, the complement: COL7A1 is on the minus strand). VCF-style: chr3-48587223-G-A. GRCh37 (hg19) VCF-style: chr3-48624656-G-A.
Other names: short protein forms R1036W.
Identifiers: ClinVar variation 2148097 (VCV002148097.5), dbSNP rs200199871, ClinGen allele CA2380644.